The following is an entry in ClinVar:

NM_003823.4(TNFRSF6B):c.574C>G (p.Leu192Val)

Genes: RTEL1-TNFRSF6B (RTEL1-TNFRSF6B readthrough (NMD candidate); plus strand), TNFRSF6B (TNF receptor superfamily member 6b; plus strand). Cytogenetic location: 20q13.33.
Variant type: single nucleotide variant.
Coding change: c.574C>G on transcript NM_003823.4 (MANE Select); coding-DNA position 574, C replaced by G.
Protein change: p.Leu192Val; replaces leucine 192 with valine.
Molecular consequence: missense variant. On other transcripts: non-coding transcript variant (1).
Genome position (GRCh38, 1-based): chr20:63,697,477, C>G. VCF-style: chr20-63697477-C-G. GRCh37 (hg19) VCF-style: chr20-62328830-C-G.
Other names: short protein forms L192V.
Identifiers: ClinVar variation 1939477 (VCV001939477.5), dbSNP rs746808259, ClinGen allele CA409711733.

ClinVar aggregate classification (germline): Uncertain significance (1 of 4 stars; one submission).

Submission:

Labcorp Genetics (formerly Invitae), Labcorp
Classification: Uncertain significance. Last evaluated: 2023-12-06. Review status: criteria provided, single submitter. Criteria: Invitae Variant Classification Sherloc (09022015). Collection method: clinical testing. Allele origin: germline.
Comment: This sequence change replaces leucine, which is neutral and non-polar, with valine, which is neutral and non-polar, at codon 192 of the TNFRSF6B protein (p.Leu192Val). This variant is not present in population databases (gnomAD no frequency). This variant has not been reported in the literature in individuals affected with TNFRSF6B-related conditions. ClinVar contains an entry for this variant (Variation ID: 1939477). An algorithm developed to predict the effect of missense changes on protein structure and function (PolyPhen-2) suggests that this variant is likely to be tolerated. In summary, the available evidence is currently insufficient to determine the role of this variant in disease. Therefore, it has been classified as a Variant of Uncertain Significance.